The following is an entry in ClinVar:

NM_015450.3(POT1):c.1817TCA[1] (p.Ile607del)

Gene: POT1 (protection of telomeres 1; minus strand). Cytogenetic location: 7q31.33.
Variant type: Microsatellite.
Coding change: c.1817TCA[1] on transcript NM_015450.3 (MANE Select); one copy of the 3-base unit TCA starting at c.1817; the reference has two copies in a row; one copy, 3 bases deleted.
Protein change: p.Ile607del; deletes isoleucine 607.
Molecular consequence: non-coding transcript variant (on NR_003102.2).
Genome position (GRCh38, 1-based): chr7:124,824,045-124,824,047, TGA deleted on the plus strand (TCA on the coding strand, the reverse complement: POT1 is on the minus strand); deleting any 3 consecutive bases within chr7:124,824,045-124,824,050 gives the same sequence; the position shown is the placement nearest the transcript's 3' end. VCF-style (leftmost placement, unchanged base first): chr7-124824044-TTGA-T. GRCh37 (hg19) VCF-style: chr7-124464098-TTGA-T.
Other names: c.1424TCA[1], p.Ile476del (NM_001042594.2); short protein forms I476del, I607del.
Identifiers: ClinVar variation 4772968 (VCV004772968.1).

ClinVar aggregate classification (germline): Uncertain significance (1 of 4 stars; one submission).

Conditions:
Tumor predisposition syndrome 3 (TPDS3). Also called: Glioma susceptibility 9; Melanoma, cutaneous malignant, susceptibility to, 10; LONG TELOMERE SYNDROME, POT1-RELATED; POT1 Tumor Predisposition. Identifiers: Orphanet 618, MedGen C4014476, MONDO:0014368, OMIM 615848.

Submission:

Labcorp Genetics (formerly Invitae), Labcorp
Classification: Uncertain significance for Tumor predisposition syndrome 3. Last evaluated: 2025-06-14. Review status: criteria provided, single submitter. Criteria: Invitae Variant Classification Sherloc (09022015). Collection method: clinical testing. Allele origin: germline.
Comment: This variant, c.1820_1822del, results in the deletion of 1 amino acid(s) of the POT1 protein (p.Ile607del), but otherwise preserves the integrity of the reading frame. This variant is not present in population databases (gnomAD no frequency). This variant has not been reported in the literature in individuals affected with POT1-related conditions. Experimental studies and prediction algorithms are not available or were not evaluated, and the functional significance of this variant is currently unknown. In summary, the available evidence is currently insufficient to determine the role of this variant in disease. Therefore, it has been classified as a Variant of Uncertain Significance.